The following is an entry in ClinVar:

ClinVar aggregate classification (germline): Uncertain significance (1 of 4 stars; one submission).

Conditions:
Saldino-Mainzer syndrome (SRTD9). Also called: Renal dysplasia, retinal pigmentary dystrophy, cerebellar ataxia and skeletal dysplasia; CONORENAL SYNDROME; SHORT-RIB THORACIC DYSPLASIA 9 WITHOUT POLYDACTYLY; short-rib thoracic dysplasia 9 with or without polydactyly. Identifiers: Orphanet 140969, MedGen C1849437, MONDO:0009964, OMIM 266920.

Submission:

Labcorp Genetics (formerly Invitae), Labcorp
Classification: Uncertain significance for Saldino-Mainzer syndrome. Last evaluated: 2025-09-06. Review status: criteria provided, single submitter. Criteria: Invitae Variant Classification Sherloc (09022015). Collection method: clinical testing. Allele origin: germline.
Comment: This variant, c.1738_1740dup, results in the insertion of 1 amino acid(s) of the IFT140 protein (p.Ser580dup), but otherwise preserves the integrity of the reading frame. This variant is not present in population databases (gnomAD no frequency). This variant has not been reported in the literature in individuals affected with IFT140-related conditions. Experimental studies and prediction algorithms are not available or were not evaluated, and the functional significance of this variant is currently unknown. In summary, the available evidence is currently insufficient to determine the role of this variant in disease. Therefore, it has been classified as a Variant of Uncertain Significance.

NM_014714.4(IFT140):c.1732AGC[4] (p.Ser580dup)

Gene: IFT140 (intraflagellar transport 140; minus strand). Cytogenetic location: 16p13.3.
Variant type: Microsatellite.
Coding change: c.1732AGC[4] on transcript NM_014714.4 (MANE Select); four copies in a row of the 3-base unit AGC starting at c.1732; the reference has three copies in a row; one copy, 3 bases duplicated.
Protein change: p.Ser580dup; duplicates serine 580.
Molecular consequence: inframe insertion.
Genome position (GRCh38, 1-based): chr16:1,568,247-1,568,249, GCT duplicated on the plus strand (AGC on the coding strand, the reverse complement: IFT140 is on the minus strand); duplicating any 3 consecutive bases within chr16:1,568,247-1,568,257 gives the same sequence; the position shown is the placement nearest the transcript's 3' end. VCF-style (leftmost placement, unchanged base first): chr16-1568246-C-CGCT. GRCh37 (hg19) VCF-style: chr16-1618247-C-CGCT.
Identifiers: ClinVar variation 1426203 (VCV001426203.8), dbSNP rs2141595569, ClinGen allele CA2580613360.